The following is an entry in ClinVar:

ClinVar aggregate classification (germline): Uncertain significance (1 of 4 stars; one submission).

Submission:

Labcorp Genetics (formerly Invitae), Labcorp
Classification: Uncertain significance. Last evaluated: 2025-06-25. Review status: criteria provided, single submitter. Criteria: Invitae Variant Classification Sherloc (09022015). Collection method: clinical testing. Allele origin: germline.
Comment: This sequence change replaces glutamic acid, which is acidic and polar, with lysine, which is basic and polar, at codon 372 of the ANKZF1 protein (p.Glu372Lys). This variant is present in population databases (rs762467569, gnomAD 0.003%). This variant has not been reported in the literature in individuals affected with ANKZF1-related conditions. An algorithm developed to predict the effect of missense changes on protein structure and function outputs the following: PolyPhen-2: "Benign". The lysine amino acid residue is found in multiple mammalian species, which suggests that this missense change does not adversely affect protein function. In summary, the available evidence is currently insufficient to determine the role of this variant in disease. Therefore, it has been classified as a Variant of Uncertain Significance.

NM_018089.3(ANKZF1):c.1114G>A (p.Glu372Lys)

Gene: ANKZF1 (ankyrin repeat and zinc finger peptidyl tRNA hydrolase 1; plus strand). Cytogenetic location: 2q35.
Variant type: single nucleotide variant.
Coding change: c.1114G>A on transcript NM_018089.3 (MANE Select); coding-DNA position 1114, G replaced by A.
Protein change: p.Glu372Lys; replaces glutamic acid 372 with lysine.
Molecular consequence: missense variant.
Genome position (GRCh38, 1-based): chr2:219,234,198, G>A. VCF-style: chr2-219234198-G-A. GRCh37 (hg19) VCF-style: chr2-220098920-G-A.
Other names: c.1114G>A, p.Glu372Lys (NM_001042410.2); c.484G>A, p.Glu162Lys (NM_001282792.2); short protein forms E162K, E372K.
Identifiers: ClinVar variation 4690794 (VCV004690794.1).